The following is an entry in ClinVar:

ClinVar aggregate classification (germline): Uncertain significance. Review status: criteria provided, multiple submitters, no conflicts (2 of 4 stars). 3 submissions from 3 submitters: Uncertain significance (3). Last evaluated 2026-08-25.

Conditions:
Cardiovascular phenotype. Identifiers: MedGen CN230736.
Dilated cardiomyopathy 1J (CMD1J). Also called: CARDIOMYOPATHY, DILATED, WITH SENSORINEURAL HEARING LOSS, AUTOSOMAL DOMINANT. Identifiers: Orphanet 217622, MedGen C1854368, MONDO:0011541, OMIM 605362.

gnomAD v4.1: 4 of 1,614,010 alleles (0.00025%); highest among the groups gnomAD compares: Non-Finnish European, 0.00034%; no homozygotes.

Submissions (3):

GeneDx
Classification: Uncertain significance. Last evaluated: 2026-08-25. Review status: criteria provided, single submitter. Criteria: GeneDx Variant Classification Process June 2021. Collection method: clinical testing. Allele origin: germline.
Comment: Has not been previously published as pathogenic or benign to our knowledge; Not observed at significant frequency in large population cohorts (gnomAD); In silico analysis suggests that this missense variant does not alter protein structure/function

Ambry Genetics
Classification: Uncertain significance for Cardiovascular phenotype. Last evaluated: 2026-06-27. Review status: criteria provided, single submitter. Criteria: Ambry Variant Classification Scheme 2023. Collection method: clinical testing. Allele origin: germline.
Comment: The p.K489R variant (also known as c.1466A>G), located in coding exon 15 of the EYA4 gene, results from an A to G substitution at nucleotide position 1466. The lysine at codon 489 is replaced by arginine, an amino acid with highly similar properties. This amino acid position is conserved. In addition, the in silico prediction for this alteration is inconclusive. Based on the available evidence, the clinical significance of this variant remains unclear.

Labcorp Genetics (formerly Invitae), Labcorp
Classification: Uncertain significance for Dilated cardiomyopathy 1J. Last evaluated: 2025-02-12. Review status: criteria provided, single submitter. Criteria: Invitae Variant Classification Sherloc (09022015). Collection method: clinical testing. Allele origin: germline.
Comment: This sequence change replaces lysine, which is basic and polar, with arginine, which is basic and polar, at codon 489 of the EYA4 protein (p.Lys489Arg). This variant is not present in population databases (gnomAD no frequency). This variant has not been reported in the literature in individuals affected with EYA4-related conditions. ClinVar contains an entry for this variant (Variation ID: 3365340). Invitae Evidence Modeling of protein sequence and biophysical properties (such as structural, functional, and spatial information, amino acid conservation, physicochemical variation, residue mobility, and thermodynamic stability) indicates that this missense variant is not expected to disrupt EYA4 protein function with a negative predictive value of 80%. In summary, the available evidence is currently insufficient to determine the role of this variant in disease. Therefore, it has been classified as a Variant of Uncertain Significance.

NM_004100.5(EYA4):c.1466A>G (p.Lys489Arg)

Genes: EYA4 (EYA transcriptional coactivator and phosphatase 4; plus strand), TARID (TCF21 antisense RNA inducing promoter demethylation; minus strand). Cytogenetic location: 6q23.2.
Variant type: single nucleotide variant.
Coding change: c.1466A>G on transcript NM_004100.5 (MANE Select); coding-DNA position 1466, A replaced by G.
Protein change: p.Lys489Arg; replaces lysine 489 with arginine.
Molecular consequence: missense variant.
Genome position (GRCh38, 1-based): chr6:133,513,003, A>G. VCF-style: chr6-133513003-A-G. GRCh37 (hg19) VCF-style: chr6-133834141-A-G.
Other names: c.1304A>G, p.Lys435Arg (NM_001301012.2); c.1484A>G, p.Lys495Arg (NM_001301013.2); c.1397A>G, p.Lys466Arg (NM_001370458.1, NM_172103.4); c.1322A>G, p.Lys441Arg (NM_001370459.1); c.1466A>G, p.Lys489Arg (NM_172105.4); short protein forms K435R, K441R, K466R, K489R, K495R.
Identifiers: ClinVar variation 3365340 (VCV003365340.5).
Genomic context (GRCh38, chr6:133,513,003, plus strand): 5'-CAGGTGTAAGAGGAGGGGTTGACTGGATGAGGAAGTTGGCTTTTCGTTACAGAAGAGTAA[A>G]AGAATTATATAACACCTACAAGAACAACGTTGGAGGTATGTGTGGCTTTTTCAATCTAAC-3'
Protein context (NP_004091.3, residues 479-499): RKLAFRYRRV[Lys489Arg]ELYNTYKNNV